The following is an entry in ClinVar:

NM_006397.3(RNASEH2A):c.284T>C (p.Val95Ala)

Gene: RNASEH2A (ribonuclease H2 subunit A; plus strand). Cytogenetic location: 19p13.13.
Variant type: single nucleotide variant.
Coding change: c.284T>C on transcript NM_006397.3 (MANE Select); coding-DNA position 284, T replaced by C.
Protein change: p.Val95Ala; replaces valine 95 with alanine.
Molecular consequence: missense variant.
Genome position (GRCh38, 1-based): chr19:12,807,290, T>C. VCF-style: chr19-12807290-T-C. GRCh37 (hg19) VCF-style: chr19-12918104-T-C.
Other names: short protein forms V95A.
Identifiers: ClinVar variation 1489779 (VCV001489779.7), dbSNP rs754727728, ClinGen allele CA9231817.

ClinVar aggregate classification (germline): Uncertain significance (1 of 4 stars; one submission).

Conditions:
Aicardi-Goutieres syndrome 4. Identifiers: Orphanet 51, MedGen C1835912, MONDO:0012472, OMIM 610333.

Allele frequency attached by ClinVar (database versions not stated): gnomAD exomes below 0.00001 and 0.00001; ExAC 0.00001; gnomAD 0.00001; TOPMed 0.00002.
gnomAD v4.1: 4 of 1,614,070 alleles (0.00025%); highest among the groups gnomAD compares: Non-Finnish European, 0.00034%; no homozygotes.

Submission:

Labcorp Genetics (formerly Invitae), Labcorp
Classification: Uncertain significance for Aicardi-Goutieres syndrome 4. Last evaluated: 2021-04-23. Review status: criteria provided, single submitter. Criteria: Invitae Variant Classification Sherloc (09022015). Collection method: clinical testing. Allele origin: germline.
Comment: This variant has not been reported in the literature in individuals with RNASEH2A-related conditions. Algorithms developed to predict the effect of missense changes on protein structure and function are either unavailable or do not agree on the potential impact of this missense change (SIFT: "Tolerated"; PolyPhen-2: "Possibly Damaging"; Align-GVGD: "Class C0"). In summary, the available evidence is currently insufficient to determine the role of this variant in disease. Therefore, it has been classified as a Variant of Uncertain Significance. This variant is present in population databases (rs754727728, ExAC 0.001%). This sequence change replaces valine with alanine at codon 95 of the RNASEH2A protein (p.Val95Ala). The valine residue is weakly conserved and there is a small physicochemical difference between valine and alanine.